The following is an entry in ClinVar:

NM_001127649.3(PEX26):c.563G>C (p.Gly188Ala)

Gene: PEX26 (peroxisomal biogenesis factor 26; plus strand). Cytogenetic location: 22q11.21.
Variant type: single nucleotide variant.
Coding change: c.563G>C on transcript NM_001127649.3 (MANE Select); coding-DNA position 563, G replaced by C.
Protein change: p.Gly188Ala; replaces glycine 188 with alanine.
Molecular consequence: missense variant.
Genome position (GRCh38, 1-based): chr22:18,083,628, G>C. VCF-style: chr22-18083628-G-C. GRCh37 (hg19) VCF-style: chr22-18566394-G-C.
Other names: c.563G>C, p.Gly188Ala (NM_001199319.2, NM_017929.6); short protein forms G188A.
Identifiers: ClinVar variation 2100318 (VCV002100318.4), dbSNP rs1378537298, ClinGen allele CA410267903.

ClinVar aggregate classification (germline): Uncertain significance (1 of 4 stars; one submission).

Conditions:
Peroxisome biogenesis disorder 7A (Zellweger). Also called: Peroxisome biogenesis disorder 7A. Identifiers: Orphanet 912, MedGen C3888385, MONDO:0013938, OMIM 614872.
Peroxisome biogenesis disorder 7B (PBD7B). Identifiers: Orphanet 44, MedGen C3553951, MONDO:0013939, OMIM 614873.

Submission:

Labcorp Genetics (formerly Invitae), Labcorp
Classification: Uncertain significance for Peroxisome biogenesis disorder 7A (Zellweger); Peroxisome biogenesis disorder 7B. Last evaluated: 2022-02-20. Review status: criteria provided, single submitter. Criteria: Invitae Variant Classification Sherloc (09022015). Collection method: clinical testing. Allele origin: germline.
Comment: In summary, the available evidence is currently insufficient to determine the role of this variant in disease. Therefore, it has been classified as a Variant of Uncertain Significance. Algorithms developed to predict the effect of missense changes on protein structure and function (SIFT, PolyPhen-2, Align-GVGD) all suggest that this variant is likely to be tolerated. This variant has not been reported in the literature in individuals affected with PEX26-related conditions. This variant is not present in population databases (gnomAD no frequency). This sequence change replaces glycine, which is neutral and non-polar, with alanine, which is neutral and non-polar, at codon 188 of the PEX26 protein (p.Gly188Ala).